The following is an entry in ClinVar:

ClinVar aggregate classification (germline): Pathogenic/Likely pathogenic. Review status: criteria provided, multiple submitters, no conflicts (2 of 4 stars). 3 submissions from 3 submitters: Pathogenic (2); Likely pathogenic (1). Last evaluated 2022-11-15.

Conditions:
THAP1-related disorder. Also called: THAP1-related condition.
Torsion dystonia 6 (DYT6). Also called: DYT-THAP1. Identifiers: Orphanet 98806, MedGen C1414216, MONDO:0011264, OMIM 602629.

Submissions (3):

Labcorp Genetics (formerly Invitae), Labcorp
Classification: Pathogenic for Torsion dystonia 6. Last evaluated: 2022-11-15. Review status: criteria provided, single submitter. Criteria: Invitae Variant Classification Sherloc (09022015). Collection method: clinical testing. Allele origin: germline.
Comment: This sequence change creates a premature translational stop signal (p.Arg29*) in the THAP1 gene. It is expected to result in an absent or disrupted protein product. Loss-of-function variants in THAP1 are known to be pathogenic (PMID: 19345147). This variant is not present in population databases (gnomAD no frequency). This premature translational stop signal has been observed in individuals with dystonia (PMID: 19345147, 21782490, 22903657). This variant is also known as Arg29ProX. ClinVar contains an entry for this variant (Variation ID: 1070763). For these reasons, this variant has been classified as Pathogenic.

Victorian Clinical Genetics Services, Murdoch Childrens Research Institute
Classification: Likely pathogenic for Torsion dystonia 6. Last evaluated: 2022-02-02. Review status: criteria provided, single submitter. Criteria: ACMG Guidelines, 2015. Collection method: clinical testing. Allele origin: germline. Inheritance: Autosomal dominant inheritance.
Comment: Based on the classification scheme VCGS_Germline_v1.3.4, this variant is classified as Likely pathogenic. Following criteria are met: 0102 - Loss of function is a reported mechanism of disease in this gene and is associated with dystonia 6, torsion, (MIM#602629). (I) 0107 - This gene is associated with autosomal dominant disease. (I) 0112 - The condition associated with this gene has incomplete penetrance, estimated commonly between 50 and 60% (PMID: 33369735). (I) 0115 - Variants in this gene are known to have variable expressivity. Studies report that upon detailed clinician examination, carriers may only present tremor (PMID: 33369735). (I) 0204 - Variant is predicted to result in a truncated protein (premature termination codon is located within the first 100 nucleotides of the coding sequence and is predicted to escape nonsense-mediated decay). (SP) 0251 - This variant is heterozygous. (I) 0301 - Variant is absent from gnomAD (both v2 and v3). (SP) 0703 - Other comparable variants to the one identified in this case have moderate previous evidence for pathogenicity. At least two other variants with a premature termination codon located within the first 100 nucleotides, p.(Gln3*) (ClinVar, LOVD, PMID: 33175450) and p.(Ala7Glufs*23) (PMID: 33175450), have been reported in individuals with dystonia. (SP) 0801 - This variant has strong previous evidence of pathogenicity in unrelated individuals. Five individuals with dystonia have been reported with this variant (PMIDs: 31153764, 31817799, 23180184, 22903657, 19345147). One of these is a proband from a multigenerational family that has been reported with 9 other unaffected carriers, with an estimated penetrance of only 10% (PMID: 31153764). (SP) 1002 - This variant has moderate functional evidence supporting abnormal protein function. Mutagenesis showed significant impaired localisation (PMID: 21495072). (I) Legend: (SP) - Supporting pathogenic, (I) - Information, (SB) - Supporting benign

Blueprint Genetics
Classification: Pathogenic for THAP1-related disorders. Last evaluated: 2018-10-19. Review status: criteria provided, single submitter. Criteria: ACMG Guidelines, 2015. Collection method: clinical testing. Allele origin: germline. Affected: yes. Observed: 1 variant allele.

Literature cited by the submitters: PubMed 19345147 (cited by Labcorp Genetics (formerly Invitae), Labcorp and Victorian Clinical Genetics Services, Murdoch Childrens Research Institute); PubMed 21782490 (cited by Labcorp Genetics (formerly Invitae), Labcorp); PubMed 22903657 (cited by Labcorp Genetics (formerly Invitae), Labcorp and Victorian Clinical Genetics Services, Murdoch Childrens Research Institute); PubMed 21495072 (cited by Victorian Clinical Genetics Services, Murdoch Childrens Research Institute); PubMed 23180184 (cited by Victorian Clinical Genetics Services, Murdoch Childrens Research Institute); PubMed 31153764 (cited by Victorian Clinical Genetics Services, Murdoch Childrens Research Institute); PubMed 31817799 (cited by Victorian Clinical Genetics Services, Murdoch Childrens Research Institute); PubMed 33175450 (cited by Victorian Clinical Genetics Services, Murdoch Childrens Research Institute); PubMed 33369735 (cited by Victorian Clinical Genetics Services, Murdoch Childrens Research Institute).

NM_018105.3(THAP1):c.85C>T (p.Arg29Ter)

Gene: THAP1 (THAP domain containing 1; minus strand). Cytogenetic location: 8p11.21.
Variant type: single nucleotide variant.
Coding change: c.85C>T on transcript NM_018105.3 (MANE Select); coding-DNA position 85, C replaced by T.
Protein change: p.Arg29Ter; replaces arginine 29 with a stop codon.
Molecular consequence: nonsense. On other transcripts: intron variant (1).
Genome position (GRCh38, 1-based): chr8:42,839,368, G>A on the plus strand (C>T on the coding strand, the complement: THAP1 is on the minus strand). VCF-style: chr8-42839368-G-A. GRCh37 (hg19) VCF-style: chr8-42694511-G-A.
Other names: c.72-1032C>T (NM_199003.2); short protein forms R29*.
Identifiers: ClinVar variation 1070763 (VCV001070763.9), dbSNP rs2128918641, ClinGen allele CA371108274.
Genomic context (GRCh38, chr8:42,839,368, plus strand): 5'-TGGTGGGTTTAAAGTTTTTTCTTCTGACAGCTGCCTCCCATTCTTTACAAAGACTGGGTC[G>A]AGTAAGAGGAAACCTAAGAAGAAGGCATAATTCAATTATCTGTCCTGATTTTTTAAATAA-3'